The following is an entry in ClinVar:

ClinVar aggregate classification (germline): Uncertain significance (1 of 4 stars; one submission).

Conditions:
Inborn genetic diseases. Identifiers: MedGen C0950123, MeSH D030342.

Submission:

Ambry Genetics
Classification: Uncertain significance for Inborn genetic diseases. Last evaluated: 2024-11-03. Review status: criteria provided, single submitter. Criteria: Ambry Variant Classification Scheme 2023. Collection method: clinical testing. Allele origin: germline.
Comment: The p.S731R variant (also known as c.2193C>A), located in coding exon 14 of the EPAS1 gene, results from a C to A substitution at nucleotide position 2193. The serine at codon 731 is replaced by arginine, an amino acid with dissimilar properties. This amino acid position is conserved. In addition, this alteration is predicted to be tolerated by in silico analysis. Based on the available evidence, the clinical significance of this variant remains unclear.

NM_001430.5(EPAS1):c.2193C>A (p.Ser731Arg)

Gene: EPAS1 (endothelial PAS domain protein 1; plus strand). Cytogenetic location: 2p21.
Variant type: single nucleotide variant.
Coding change: c.2193C>A on transcript NM_001430.5 (MANE Select); coding-DNA position 2193, C replaced by A.
Protein change: p.Ser731Arg; replaces serine 731 with arginine.
Molecular consequence: missense variant.
Genome position (GRCh38, 1-based): chr2:46,381,995, C>A. VCF-style: chr2-46381995-C-A. GRCh37 (hg19) VCF-style: chr2-46609134-C-A.
Other names: short protein forms S731R.
Identifiers: ClinVar variation 3509018 (VCV003509018.1).